The following is an entry in ClinVar:

NM_001371928.1(AHDC1):c.3667G>A (p.Val1223Ile)

Gene: AHDC1 (AT-hook DNA binding motif containing 1; minus strand). Cytogenetic location: 1p36.11.
Variant type: single nucleotide variant.
Coding change: c.3667G>A on transcript NM_001371928.1 (MANE Select); coding-DNA position 3667, G replaced by A.
Protein change: p.Val1223Ile; replaces valine 1223 with isoleucine.
Molecular consequence: missense variant.
Genome position (GRCh38, 1-based): chr1:27,548,449, C>T on the plus strand (G>A on the coding strand, the complement: AHDC1 is on the minus strand). VCF-style: chr1-27548449-C-T. GRCh37 (hg19) VCF-style: chr1-27874960-C-T.
Other names: c.3667G>A, p.Val1223Ile (NM_001029882.3); short protein forms V1223I.
Identifiers: ClinVar variation 3365791 (VCV003365791.2).

ClinVar aggregate classification (germline): Uncertain significance (1 of 4 stars; one submission).

Submission:

GeneDx
Classification: Uncertain significance. Last evaluated: 2026-07-09. Review status: criteria provided, single submitter. Criteria: GeneDx Variant Classification Process June 2021. Collection method: clinical testing. Allele origin: germline.
Comment: Not observed at significant frequency in large population cohorts (gnomAD); In silico analysis supports that this missense variant does not alter protein structure/function; Has not been previously published as pathogenic or benign to our knowledge